The following is an entry in ClinVar:

NM_004260.4(RECQL4):c.2019C>G (p.Asn673Lys)

Gene: RECQL4 (RecQ like helicase 4; minus strand). Cytogenetic location: 8q24.3.
Variant type: single nucleotide variant.
Coding change: c.2019C>G on transcript NM_004260.4 (MANE Select); coding-DNA position 2019, C replaced by G.
Protein change: p.Asn673Lys; replaces asparagine 673 with lysine.
Molecular consequence: missense variant. On other transcripts: non-coding transcript variant (3).
Genome position (GRCh38, 1-based): chr8:144,513,967, G>C on the plus strand (C>G on the coding strand, the complement: RECQL4 is on the minus strand). VCF-style: chr8-144513967-G-C. GRCh37 (hg19) VCF-style: chr8-145739351-G-C.
Other names: c.948C>G, p.Asn316Lys (NM_001413040.1, NM_001413021.1, NM_001413022.1 and 6 more transcripts); c.882C>G, p.Asn294Lys (NM_001413041.1, NM_001413027.1, NM_001413030.1 and 1 more transcripts); c.918C>G, p.Asn306Lys (NM_001413042.1); c.552C>G, p.Asn184Lys (NM_001413043.1); c.1923C>G, p.Asn641Lys (NM_001413017.1, NM_001413020.1); c.2019C>G, p.Asn673Lys (NM_001413018.1, NM_001413019.1, NM_001413036.1); c.1890C>G, p.Asn630Lys (NM_001413025.1); c.1668C>G, p.Asn556Lys (NM_001413029.1); and 4 more; short protein forms N673K, N272K, N184K, N641K, N663K, N250K, N556K, N629K.
Identifiers: ClinVar variation 4152414 (VCV004152414.1).

ClinVar aggregate classification (germline): Uncertain significance (1 of 4 stars; one submission).

Conditions:
Inborn genetic diseases. Identifiers: MedGen C0950123, MeSH D030342.

Submission:

Ambry Genetics
Classification: Uncertain significance for Inborn genetic diseases. Last evaluated: 2025-08-11. Review status: criteria provided, single submitter. Criteria: Ambry Variant Classification Scheme 2023. Collection method: clinical testing. Allele origin: germline.
Comment: The p.N673K variant (also known as c.2019C>G), located in coding exon 12 of the RECQL4 gene, results from a C to G substitution at nucleotide position 2019. The asparagine at codon 673 is replaced by lysine, an amino acid with similar properties. This amino acid position is conserved. In addition, the in silico prediction for this alteration is inconclusive. Based on the available evidence, the clinical significance of this variant remains unclear.